The following is an entry in ClinVar:

ClinVar aggregate classification (germline): Pathogenic. Review status: reviewed by expert panel (3 of 4 stars). 13 submissions from 13 submitters: Pathogenic (1). 12 of the submissions do not count toward it. Last evaluated 2016-09-08.

Conditions:
Hereditary cancer-predisposing syndrome. Also called: Tumor predisposition; Neoplastic Syndromes, Hereditary; Hereditary Cancer Syndrome; Hereditary neoplastic syndrome. Identifiers: Orphanet 140162, MedGen C0027672, MeSH D009386, MONDO:0015356.
Hereditary breast ovarian cancer syndrome. Also called: Hereditary breast and ovarian cancer syndrome (HBOC); Hereditary breast and ovarian cancer syndrome; Hereditary breast and ovarian cancer; Hereditary breast and/or ovarian cancer syndrome; Breast and ovarian cancer; BRCA1- and BRCA2-Associated Hereditary Breast and Ovarian Cancer. Identifiers: Orphanet 145, MedGen C0677776, MeSH D061325, MONDO:0003582. Disease mechanism: loss of function.
Breast-ovarian cancer, familial, susceptibility to, 1 (BROVCA1). Also called: OVARIAN CANCER, SUSCEPTIBILITY TO; BRCA1 Hereditary Breast and Ovarian Cancer. Identifiers: Orphanet 145, MedGen C2676676, MONDO:0011450, OMIM 604370. Disease mechanism: loss of function.

gnomAD v4.1: 2 of 1,610,276 alleles (0.00012%); highest among the groups gnomAD compares: Non-Finnish European, 0.000085%; no homozygotes.

Submissions (14):

Evidence-based Network for the Interpretation of Germline Mutant Alleles (ENIGMA)
Classification: Pathogenic for Breast-ovarian cancer, familial, susceptibility to, 1. Last evaluated: 2016-09-08. Review status: reviewed by expert panel. Criteria: ENIGMA BRCA1/2 Classification Criteria (2015). Collection method: curation. Allele origin: germline.
Comment: Variant allele predicted to encode a truncated non-functional protein.

Ambry Genetics
Classification: Pathogenic for Hereditary cancer-predisposing syndrome. Last evaluated: 2024-12-24. Review status: criteria provided, single submitter. Criteria: Ambry Variant Classification Scheme 2023. Collection method: clinical testing. Allele origin: germline. Not counted in ClinVar's aggregate classification.
Comment: The p.K1690* pathogenic mutation (also known as c.5068A>T), located in coding exon 15 of the BRCA1 gene, results from an A to T substitution at nucleotide position 5068. This changes the amino acid from a lysine to a stop codon within coding exon 15. One functional study found that this nucleotide substitution is non-functional in a high-throughput, genome editing, haploid cell survival assay (Findlay GM et al. Nature, 2018 10;562:217-222). This alteration was also identified in a large, worldwide study of BRCA1/2 mutation positive families (Rebbeck TR et al. Hum Mutat, 2018 05;39:593-620) and has been reported in the literature in a patient diagnosed with triple negative breast cancer (Robertson L. Br J Cancer. 2012 Mar;106(6):1234-8). This alteration is expected to result in loss of function by premature protein truncation or nonsense-mediated mRNA decay. As such, this alteration is interpreted as a disease-causing mutation.

KCCC/NGS Laboratory, Kuwait Cancer Control Center
Classification: Pathogenic for Breast-ovarian cancer, familial, susceptibility to, 1. Last evaluated: 2024-12-16. Review status: criteria provided, single submitter. Criteria: ACMG Guidelines, 2015. Collection method: clinical testing. Allele origin: germline. Inheritance: Autosomal dominant inheritance. Affected: yes. Observed: 1 heterozygote. Not counted in ClinVar's aggregate classification.
Comment: This sequence change creates a premature translational stop signal (p.Lys1690*) in the BRCA1 gene. It is expected to result in an absent or disrupted protein product. Loss-of-function variants in BRCA1 are known to be pathogenic (PMID: 20104584). Not observed at significant frequency in large population cohorts (gnomAD). This premature translational stop signal has been observed in individual(s) with breast and/or ovarian cancer (PMID: 29446198, 22333603, 26023681, 20104584, 30209399, 29470806, 35698740, 29922827). ClinVar contains an entry for this variant (Variation ID: 37626) classified as pathogenic reviewed by expert panel. For these reasons, this variant has been classified as Pathogenic.

Color Diagnostics, LLC DBA Color Health
Classification: Pathogenic for Hereditary cancer-predisposing syndrome. Last evaluated: 2024-12-10. Review status: criteria provided, single submitter. Criteria: ACMG Guidelines, 2015. Collection method: clinical testing. Allele origin: germline. Not counted in ClinVar's aggregate classification.
Comment: This variant changes 1 nucleotide in exon 16 of the BRCA1 gene, creating a premature translation stop signal in the BRCA1 protein. This variant is expected to result in an absent or non-functional protein product. Splicing predictions suggest that this variant may impact splicing at the intron 6 splice donor site (PMID: 30661751, 35449021). A study has reported that this variant is functionally abnormal in a haploid cell proliferation assay (PMID: 30209399). This variant has been reported in two individuals and two families affected with breast and/or ovarian cancer (PMID: 22333603, 29446198, 29470806). This variant has been identified in 2/1610276 chromosomes in the general population by the Genome Aggregation Database (gnomAD). Loss of BRCA1 function is a known mechanism of disease. Based on the available evidence, this variant is classified as Pathogenic.

Labcorp Genetics (formerly Invitae), Labcorp
Classification: Pathogenic for Hereditary breast ovarian cancer syndrome. Last evaluated: 2024-05-21. Review status: criteria provided, single submitter. Criteria: Invitae Variant Classification Sherloc (09022015). Collection method: clinical testing. Allele origin: germline. Not counted in ClinVar's aggregate classification.
Comment: This sequence change creates a premature translational stop signal (p.Lys1690*) in the BRCA1 gene. It is expected to result in an absent or disrupted protein product. Loss-of-function variants in BRCA1 are known to be pathogenic (PMID: 20104584). This variant is present in population databases (rs397507239, gnomAD 0.0009%). This premature translational stop signal has been observed in individual(s) with breast and/or ovarian cancer (PMID: 22333603, 29446198, 29470806). ClinVar contains an entry for this variant (Variation ID: 37626). RNA analysis performed to evaluate the impact of this premature translational stop signal on mRNA splicing indicates it does not significantly alter splicing (Invitae). For these reasons, this variant has been classified as Pathogenic.

Baylor Genetics
Classification: Pathogenic for Breast-ovarian cancer, familial, susceptibility to, 1. Last evaluated: 2023-07-29. Review status: criteria provided, single submitter. Criteria: ACMG Guidelines, 2015. Collection method: clinical testing. Allele origin: unknown. Not counted in ClinVar's aggregate classification.

GeneDx
Classification: Pathogenic. Last evaluated: 2022-12-28. Review status: criteria provided, single submitter. Criteria: GeneDx Variant Classification Process June 2021. Collection method: clinical testing. Allele origin: germline. Affected: yes. Not counted in ClinVar's aggregate classification.
Comment: Nonsense variant predicted to result in protein truncation or nonsense mediated decay in a gene for which loss of function is a known mechanism of disease; Published functional studies demonstrate a damaging effect: variant classified as non-functional based on a saturation genome editing (SGE) assay measuring cell survival (Findlay et al., 2018); Identified in patients with breast, ovarian, pancreatic, or prostate cancer (Robertson et al., 2012; Singh et al., 2018; Mehta et al., 2022); Not observed at significant frequency in large population cohorts (gnomAD); Truncating variants in this gene are considered pathogenic by a well-established clinical consortium and/or database; Also known as 5187A>T; This variant is associated with the following publications: (PMID: 29446198, 22333603, 26023681, 20104584, 30209399, 29470806, 35698740, 29922827)

Sema4
Classification: Pathogenic for Hereditary cancer-predisposing syndrome. Last evaluated: 2021-12-29. Review status: criteria provided, single submitter. Criteria: Sema4 Curation Guidelines. Collection method: curation. Allele origin: germline. Not counted in ClinVar's aggregate classification.
Comment: The BRCA1 c.5068A>T (p.K1690X) variant has been reported in heterozygosity in several individuals with breast and/or ovarian cancer (PMID: 22333603, 26023681, 29446198, 29470806). It is also known as 5187A>T in the literature. An saturation genome editing study demonstrated the abnormal function of the protein (PMID: 30209399). This nonsense variant creates a premature stop codon at residue BRCA1 of the 1690 protein. This alteration is expected to result in loss of function by premature protein truncation or nonsense-mediated mRNA decay. Loss of function variants in BRCA1 are known to be pathogenic (PMID: 29446198). It was observed in 1/251360 chromosomes in the large and broad cohorts of the Genome Aggregation Database (PMID: 32461654). The variant has been reported in ClinVar (Variation ID 37626). Based on the current evidence available, this variant is interpreted as pathogenic.

Consortium of Investigators of Modifiers of BRCA1/2 (CIMBA), c/o University of Cambridge
Classification: Pathogenic for Breast-ovarian cancer, familial, susceptibility to, 1. Last evaluated: 2015-10-02. Review status: criteria provided, single submitter. Criteria: CIMBA Mutation Classification guidelines May 2016. Collection method: clinical testing. Allele origin: germline. Not counted in ClinVar's aggregate classification.

Counsyl
Classification: Pathogenic for Breast-ovarian cancer, familial, susceptibility to, 1. Last evaluated: 2017-11-28. Review status: no assertion criteria provided. Collection method: clinical testing. Allele origin: unknown. Not counted in ClinVar's aggregate classification.

Sharing Clinical Reports Project (SCRP)
Classification: Pathogenic for Breast-ovarian cancer, familial 1. Last evaluated: 2010-05-12. Review status: no assertion criteria provided. Collection method: clinical testing. Allele origin: germline. Not counted in ClinVar's aggregate classification.

Brotman Baty Institute, University of Washington
No classification provided (evidence only). Condition: Breast-ovarian cancer, familial 1. Review status: no classification provided. Collection method: in vitro. Allele origin: not applicable. Functional consequence: functionally_abnormal. Not counted in ClinVar's aggregate classification.
ClinVar note: "not provided" was previously submitted as the classification for the variant. However, the classification appeared to be based only on an observation of functional data so it was converted to no classification on 2025-07-30.

Diagnostic Laboratory, Department of Genetics, University Medical Center Groningen
Classification: Pathogenic. Review status: no assertion criteria provided. Collection method: clinical testing. Allele origin: germline. Affected: yes. Study: VKGL Data-share Consensus. Not counted in ClinVar's aggregate classification.

Joint Genome Diagnostic Labs from Nijmegen and Maastricht, Radboudumc and MUMC+
Classification: Pathogenic. Review status: no assertion criteria provided. Collection method: clinical testing. Allele origin: germline. Affected: yes. Study: VKGL Data-share Consensus. Not counted in ClinVar's aggregate classification.

Literature cited by the submitters: PubMed 22333603 (cited by 5 submitters); PubMed 29446198 (cited by 4 submitters); PubMed 30209399 (cited by 3 submitters); PubMed 29470806 (cited by 3 submitters); PubMed 30661751 (cited by Color Diagnostics, LLC DBA Color Health); PubMed 35449021 (cited by Color Diagnostics, LLC DBA Color Health); PubMed 20104584 (cited by Labcorp Genetics (formerly Invitae), Labcorp); PubMed 26023681 (cited by Sema4 and Counsyl).

NM_007294.4(BRCA1):c.5068A>T (p.Lys1690Ter)

Gene: BRCA1 (BRCA1 DNA repair associated; minus strand). Cytogenetic location: 17q21.31.
Variant type: single nucleotide variant.
Coding change: c.5068A>T on transcript NM_007294.4 (MANE Select); coding-DNA position 5068, A replaced by T.
Protein change: p.Lys1690Ter; replaces lysine 1690 with a stop codon.
Molecular consequence: nonsense. On other transcripts: non-coding transcript variant (1).
Genome position (GRCh38, 1-based): chr17:43,067,614, T>A on the plus strand (A>T on the coding strand, the complement: BRCA1 is on the minus strand). VCF-style: chr17-43067614-T-A. GRCh37 (hg19) VCF-style: chr17-41219631-T-A.
Other names: 5187A>T; c.4855A>T, p.Lys1619Ter (NM_001407571.1, NM_001407894.1, NM_001407895.1 and 12 more transcripts); c.5134A>T, p.Lys1712Ter (NM_001407581.1, NM_001407582.1); c.5131A>T, p.Lys1711Ter (NM_001407583.1, NM_001407585.1, NM_001407587.1 and 1 more transcripts); c.5128A>T, p.Lys1710Ter (NM_001407590.1, NM_001407591.1); c.5068A>T, p.Lys1690Ter (NM_001407593.1, NM_001407594.1, NM_001407596.1 and 8 more transcripts); c.5065A>T, p.Lys1689Ter (NM_001407610.1, NM_001407611.1, NM_001407612.1 and 17 more transcripts); c.5062A>T, p.Lys1688Ter (NM_001407627.1, NM_001407628.1, NM_001407629.1 and 14 more transcripts); and 72 more; short protein forms K1690*, K1643*, K586*, K1711*, K1393*, K1536*, K1561*, K1578*.
Identifiers: ClinVar variation 37626 (VCV000037626.28), dbSNP rs397507239, ClinGen allele CA003184.